The following is an entry in ClinVar:

NM_003070.5(SMARCA2):c.4286A>G (p.Gln1429Arg)

Gene: SMARCA2 (SWI/SNF related BAF chromatin remodeling complex subunit ATPase 2; plus strand). Cytogenetic location: 9p24.3.
Variant type: single nucleotide variant.
Coding change: c.4286A>G on transcript NM_003070.5 (MANE Select); coding-DNA position 4286, A replaced by G.
Protein change: p.Gln1429Arg; replaces glutamine 1429 with arginine.
Molecular consequence: missense variant.
Genome position (GRCh38, 1-based): chr9:2,181,603, A>G. VCF-style: chr9-2181603-A-G. GRCh37 (hg19) VCF-style: chr9-2181603-A-G.
Other names: c.4286A>G, p.Gln1429Arg (NM_001289396.2); c.4058A>G, p.Gln1353Arg (NM_001289397.2); c.260A>G, p.Gln87Arg (NM_001289398.2); c.344A>G, p.Gln115Arg (NM_001289399.2); c.350A>G, p.Gln117Arg (NM_001289400.2); c.4232A>G, p.Gln1411Arg (NM_139045.4); short protein forms Q115R, Q117R, Q1353R, Q1411R, Q1429R, Q87R.
Identifiers: ClinVar variation 2506816 (VCV002506816.1), dbSNP rs2537584723, ClinGen allele CA372789342.
Genomic context (GRCh38, chr9:2,181,603, plus strand): 5'-GTTTTTGTTTGTTTCACCCATCCTACAGTTCAGGGCGACAGCTCAGTGAAGTCTTCATTC[A>G]GTTACCTTCAAGGAAAGAATTACCAGAATACTATGAATTAATTAGGAAGCCAGTGGATTT-3'
Protein context (NP_003061.3, residues 1419-1439): SGRQLSEVFI[Gln1429Arg]LPSRKELPEY

ClinVar aggregate classification (germline): Uncertain significance (1 of 4 stars; one submission).

Submission:

GeneDx
Classification: Uncertain significance. Last evaluated: 2022-12-20. Review status: criteria provided, single submitter. Criteria: GeneDx Variant Classification Process June 2021. Collection method: clinical testing. Allele origin: germline. Affected: yes.
Comment: Not observed at significant frequency in large population cohorts (gnomAD); In silico analysis supports that this missense variant has a deleterious effect on protein structure/function; Has not been previously published as pathogenic or benign to our knowledge